The following is an entry in ClinVar:

ClinVar aggregate classification (germline): Uncertain significance (1 of 4 stars; one submission).

Submission:

Labcorp Genetics (formerly Invitae), Labcorp
Classification: Uncertain significance. Last evaluated: 2022-09-15. Review status: criteria provided, single submitter. Criteria: Invitae Variant Classification Sherloc (09022015). Collection method: clinical testing. Allele origin: germline.
Comment: This variant, c.4761_4763del, results in the deletion of 1 amino acid(s) of the TRPM6 protein (p.Lys1587del), but otherwise preserves the integrity of the reading frame. This variant is present in population databases (rs775479209, gnomAD 0.003%). This variant has not been reported in the literature in individuals affected with TRPM6-related conditions. Algorithms developed to predict the effect of sequence changes on RNA splicing suggest that this variant may disrupt the consensus splice site. In summary, the available evidence is currently insufficient to determine the role of this variant in disease. Therefore, it has been classified as a Variant of Uncertain Significance.

NM_017662.5(TRPM6):c.4758GAA[1] (p.Lys1587del)

Gene: TRPM6 (transient receptor potential cation channel subfamily M member 6; minus strand). Cytogenetic location: 9q21.13.
Variant type: Microsatellite.
Coding change: c.4758GAA[1] on transcript NM_017662.5 (MANE Select); one copy of the 3-base unit GAA starting at c.4758; the reference has two copies in a row; one copy, 3 bases deleted.
Protein change: p.Lys1587del; deletes lysine 1587.
Molecular consequence: inframe deletion.
Genome position (GRCh38, 1-based): chr9:74,761,718-74,761,720, TTC deleted on the plus strand (GAA on the coding strand, the reverse complement: TRPM6 is on the minus strand); deleting any 3 consecutive bases within chr9:74,761,718-74,761,725 gives the same sequence; the position shown is the placement nearest the transcript's 3' end. VCF-style (leftmost placement, unchanged base first): chr9-74761717-ATTC-A. GRCh37 (hg19) VCF-style: chr9-77376633-ATTC-A.
Other names: c.4743GAA[1], p.Lys1582del (NM_001177310.2, NM_001177311.2); short protein forms K1582del, K1587del.
Identifiers: ClinVar variation 1987143 (VCV001987143.4), dbSNP rs775479209, ClinGen allele CA5084033.